The following is an entry in ClinVar:

ClinVar aggregate classification (germline): Uncertain significance. Review status: criteria provided, multiple submitters, no conflicts (2 of 4 stars). 3 submissions from 3 submitters: Uncertain significance (3). Last evaluated 2024-12-23.

Conditions:
Kabuki syndrome. Also called: NIIKAWA-KUROKI SYNDROME; Kabuki make-up syndrome. Identifiers: Orphanet 2322, MedGen C0796004, MONDO:0016512.
Kabuki syndrome 1 (KABUK1). Also called: KMT2D-Related Kabuki Syndrome. Identifiers: Orphanet 2322, MedGen CN030661, MONDO:0007843, OMIM 147920.

Allele frequency attached by ClinVar (database versions not stated): gnomAD exomes 0.00002.
gnomAD v4.1: 30 of 1,613,774 alleles (0.0019%); highest among the groups gnomAD compares: Non-Finnish European, 0.0025%; no homozygotes.

Submissions (3):

Labcorp Genetics (formerly Invitae), Labcorp
Classification: Uncertain significance for Kabuki syndrome. Last evaluated: 2024-12-23. Review status: criteria provided, single submitter. Criteria: Invitae Variant Classification Sherloc (09022015). Collection method: clinical testing. Allele origin: germline.
Comment: This sequence change replaces proline, which is neutral and non-polar, with threonine, which is neutral and polar, at codon 2593 of the KMT2D protein (p.Pro2593Thr). This variant is not present in population databases (gnomAD no frequency). This variant has not been reported in the literature in individuals affected with KMT2D-related conditions. ClinVar contains an entry for this variant (Variation ID: 1327850). Invitae Evidence Modeling of protein sequence and biophysical properties (such as structural, functional, and spatial information, amino acid conservation, physicochemical variation, residue mobility, and thermodynamic stability) indicates that this missense variant is not expected to disrupt KMT2D protein function with a negative predictive value of 95%. In summary, the available evidence is currently insufficient to determine the role of this variant in disease. Therefore, it has been classified as a Variant of Uncertain Significance.

GeneDx
Classification: Uncertain significance. Last evaluated: 2021-11-22. Review status: criteria provided, single submitter. Criteria: GeneDx Variant Classification Process June 2021. Collection method: clinical testing. Allele origin: germline. Affected: yes.
Comment: Not observed in large population cohorts (Lek et al., 2016); In silico analysis supports that this missense variant has a deleterious effect on protein structure/function; Has not been previously published as pathogenic or benign to our knowledge

New York Genome Center
Classification: Uncertain significance for Kabuki syndrome 1. Last evaluated: 2021-04-30. Review status: criteria provided, single submitter. Criteria: NYGC Assertion Criteria 2020. Collection method: clinical testing. Allele origin: inherited. Observed: 1 heterozygote. Study: CSER-NYCKidSeq.

NM_003482.4(KMT2D):c.7777C>A (p.Pro2593Thr)

Gene: KMT2D (lysine methyltransferase 2D; minus strand). Cytogenetic location: 12q13.12.
Variant type: single nucleotide variant.
Coding change: c.7777C>A on transcript NM_003482.4 (MANE Select); coding-DNA position 7777, C replaced by A.
Protein change: p.Pro2593Thr; replaces proline 2593 with threonine.
Molecular consequence: missense variant.
Genome position (GRCh38, 1-based): chr12:49,039,993, G>T on the plus strand (C>A on the coding strand, the complement: KMT2D is on the minus strand). VCF-style: chr12-49039993-G-T. GRCh37 (hg19) VCF-style: chr12-49433776-G-T.
Other names: short protein forms P2593T.
Identifiers: ClinVar variation 1327850 (VCV001327850.9), dbSNP rs2120520690, ClinGen allele CA384746875.